The following is an entry in ClinVar:

NM_004974.4(KCNA2):c.1067C>G (p.Ser356Cys)

Gene: KCNA2 (potassium voltage-gated channel subfamily A member 2; minus strand). Cytogenetic location: 1p13.3.
Variant type: single nucleotide variant.
Coding change: c.1067C>G on transcript NM_004974.4 (MANE Select); coding-DNA position 1067, C replaced by G.
Protein change: p.Ser356Cys; replaces serine 356 with cysteine.
Molecular consequence: missense variant. On other transcripts: intron variant (1).
Genome position (GRCh38, 1-based): chr1:110,603,716, G>C on the plus strand (C>G on the coding strand, the complement: KCNA2 is on the minus strand). VCF-style: chr1-110603716-G-C. GRCh37 (hg19) VCF-style: chr1-111146338-G-C.
Other names: c.894+173C>G (NM_001204269.2); short protein forms S356C.
Identifiers: ClinVar variation 939630 (VCV000939630.10), dbSNP rs1317841788, ClinGen allele CA341602051.

ClinVar aggregate classification (germline): Uncertain significance (1 of 4 stars; one submission).

Conditions:
Developmental and epileptic encephalopathy, 32 (DEE32). Also called: Epileptic encephalopathy, early infantile, 32. Identifiers: Orphanet 442835, MedGen C4225350, MONDO:0014607, OMIM 616366.

Allele frequency attached by ClinVar (database versions not stated): TOPMed 0.00001.

Submission:

Labcorp Genetics (formerly Invitae), Labcorp
Classification: Uncertain significance for Developmental and epileptic encephalopathy, 32. Last evaluated: 2019-11-07. Review status: criteria provided, single submitter. Criteria: Invitae Variant Classification Sherloc (09022015). Collection method: clinical testing. Allele origin: germline.
Comment: This variant has not been reported in the literature in individuals with KCNA2-related conditions. This variant is not present in population databases (ExAC no frequency). This sequence change replaces serine with cysteine at codon 356 of the KCNA2 protein (p.Ser356Cys). The serine residue is highly conserved and there is a moderate physicochemical difference between serine and cysteine. Algorithms developed to predict the effect of missense changes on protein structure and function (SIFT, PolyPhen-2, Align-GVGD) all suggest that this variant is likely to be disruptive, but these predictions have not been confirmed by published functional studies and their clinical significance is uncertain. In summary, the available evidence is currently insufficient to determine the role of this variant in disease. Therefore, it has been classified as a Variant of Uncertain Significance.